The following is an entry in ClinVar:

ClinVar aggregate classification (germline): Uncertain significance (1 of 4 stars; one submission).

Conditions:
Ellis-van Creveld syndrome (EVC). Also called: MESOECTODERMAL DYSPLASIA; EVC-Related Ellis-van Creveld Syndrome; EVC2-Related Ellis-van Creveld Syndrome; Chondroectodermal dysplasia. Identifiers: Orphanet 289, MedGen C0013903, MONDO:0009162, OMIM 225500.
Curry-Hall syndrome (WAD). Also called: WEYERS ACRODENTAL DYSOSTOSIS. Identifiers: Orphanet 952, MedGen C0457013, MONDO:0008673, OMIM 193530.

Allele frequency attached by ClinVar (database versions not stated): gnomAD exomes 0.00001.
gnomAD v4.1: 7 of 1,614,132 alleles (0.00043%); highest among the groups gnomAD compares: Non-Finnish European, 0.00051%; no homozygotes.

Submission:

Labcorp Genetics (formerly Invitae), Labcorp
Classification: Uncertain significance for Curry-Hall syndrome; Ellis-van Creveld syndrome. Last evaluated: 2024-10-14. Review status: criteria provided, single submitter. Criteria: Invitae Variant Classification Sherloc (09022015). Collection method: clinical testing. Allele origin: germline.
Comment: This sequence change replaces proline, which is neutral and non-polar, with threonine, which is neutral and polar, at codon 1242 of the EVC2 protein (p.Pro1242Thr). This variant is not present in population databases (gnomAD no frequency). This variant has not been reported in the literature in individuals affected with EVC2-related conditions. ClinVar contains an entry for this variant (Variation ID: 2048955). An algorithm developed to predict the effect of missense changes on protein structure and function (PolyPhen-2) suggests that this variant is likely to be disruptive. In summary, the available evidence is currently insufficient to determine the role of this variant in disease. Therefore, it has been classified as a Variant of Uncertain Significance.

NM_147127.5(EVC2):c.3724C>A (p.Pro1242Thr)

Gene: EVC2 (EvC ciliary complex subunit 2; minus strand). Cytogenetic location: 4p16.2.
Variant type: single nucleotide variant.
Coding change: c.3724C>A on transcript NM_147127.5 (MANE Select); coding-DNA position 3724, C replaced by A.
Protein change: p.Pro1242Thr; replaces proline 1242 with threonine.
Molecular consequence: missense variant.
Genome position (GRCh38, 1-based): chr4:5,563,051, G>T on the plus strand (C>A on the coding strand, the complement: EVC2 is on the minus strand). VCF-style: chr4-5563051-G-T. GRCh37 (hg19) VCF-style: chr4-5564778-G-T.
Other names: c.3484C>A, p.Pro1162Thr (NM_001166136.2); short protein forms P1242T, P1162T.
Identifiers: ClinVar variation 2048955 (VCV002048955.4), dbSNP rs2475166092, ClinGen allele CA356147155.